The following is an entry in ClinVar:

NM_001267550.2(TTN):c.101661dup (p.Leu33888fs)

Genes: TTN (titin; minus strand), TTN-AS1 (TTN antisense RNA 1; plus strand). Cytogenetic location: 2q31.2.
Variant type: Duplication.
Coding change: c.101661dup on transcript NM_001267550.2 (MANE Select); coding-DNA position 101661, one base duplicated (A; older notation c.101661dupA).
Protein change: p.Leu33888fs; shifts the reading frame from leucine 33888.
Molecular consequence: frameshift variant.
Genome position (GRCh38, 1-based): chr2:178,534,954, T duplicated on the plus strand (A on the coding strand, the reverse complement: TTN is on the minus strand); the first of 2 consecutive T bases (chr2:178,534,954-178,534,955); duplicating either gives the same sequence. VCF-style (leftmost placement, unchanged base first): chr2-178534953-A-AT. GRCh37 (hg19) VCF-style: chr2-179399680-A-AT.
Other names: c.96738dup, p.Leu32247fs (NM_001256850.1); c.74466dup, p.Leu24823fs (NM_003319.4); c.93957dup, p.Leu31320fs (NM_133378.4); c.74841dup, p.Leu24948fs (NM_133432.3); c.75042dup, p.Leu25015fs (NM_133437.4); short protein forms L24823fs, L24948fs, L25015fs, L31320fs, L32247fs, L33888fs.
Identifiers: ClinVar variation 1701397 (VCV001701397.31), dbSNP rs2154136332, ClinGen allele CA2580064931.
Genomic context (GRCh38, chr2:178,534,953, plus strand): 5'-CACTTGTGTTAATGCGCTCAAATATGTCAAGTCCTGATATAAACTCAAAGATCATAACTA[A>AT]TTCTTCCATGCTTTCAAATGATTCATGGAGGTGTAAGATGTTTCTATGCCTAGCAATATT-3'

ClinVar aggregate classification (germline): Pathogenic (1 of 4 stars; one submission).

Submission:

CeGaT Center for Human Genetics Tuebingen
Classification: Pathogenic. Last evaluated: 2022-07-01. Review status: criteria provided, single submitter. Criteria: CeGaT Center For Human Genetics Tuebingen Variant Classification Criteria Version 2. Collection method: clinical testing. Allele origin: germline. Affected: yes. Observed: 1 variant allele.
Comment: TTN: PVS1, PM2